The following is an entry in ClinVar:

ClinVar aggregate classification (germline): Likely pathogenic (1 of 4 stars; one submission).

Conditions:
UV-sensitive syndrome 3 (UVSS3). Identifiers: Orphanet 178338, MedGen C3553328, MONDO:0013834, OMIM 614640.

Submission:

First Genomix Gene Laboratory, Genetic Diagnostics Department
Classification: Likely pathogenic for UV-sensitive syndrome 3. Last evaluated: 2025-08-22. Review status: criteria provided, single submitter. Criteria: ACMG Guidelines, 2015. Collection method: clinical testing. Allele origin: germline. Inheritance: Autosomal recessive inheritance. Affected: no. Observed: 1 variant allele.

NM_020894.4(UVSSA):c.1673_1674dup (p.Lys559fs)

Gene: UVSSA (UV stimulated scaffold protein A; plus strand). Cytogenetic location: 4p16.3.
Variant type: Duplication.
Coding change: c.1673_1674dup on transcript NM_020894.4 (MANE Select); coding-DNA positions 1673 to 1674, 2 bases duplicated (GG; older notation c.1673_1674dupGG).
Protein change: p.Lys559fs; shifts the reading frame from lysine 559.
Molecular consequence: frameshift variant.
Genome position (GRCh38, 1-based): chr4:1,380,151-1,380,152, GG duplicated; duplicating any 2 consecutive bases within chr4:1,380,150-1,380,152 gives the same sequence; the c. name uses the placement nearest the transcript's 3' end. VCF-style (leftmost placement, unchanged base first): chr4-1380149-C-CGG. GRCh37 (hg19) VCF-style: chr4-1373937-C-CGG.
Other names: c.1673_1674dup, p.Lys559fs (NM_001317934.2, NM_001317935.2); c.1673_1674dupGG (NM_020894.4); short protein forms K559fs.
Identifiers: ClinVar variation 4850478 (VCV004850478.1).